The following is an entry in ClinVar:

NM_030912.3(TRIM8):c.796G>A (p.Ala266Thr)

Gene: TRIM8 (tripartite motif containing 8; plus strand). Cytogenetic location: 10q24.32.
Variant type: single nucleotide variant.
Coding change: c.796G>A on transcript NM_030912.3 (MANE Select); coding-DNA position 796, G replaced by A.
Protein change: p.Ala266Thr; replaces alanine 266 with threonine.
Molecular consequence: missense variant. On other transcripts: non-coding transcript variant (1).
Genome position (GRCh38, 1-based): chr10:102,655,209, G>A. VCF-style: chr10-102655209-G-A. GRCh37 (hg19) VCF-style: chr10-104414966-G-A.
Other names: c.700G>A, p.Ala234Thr (NM_001345950.1); short protein forms A266T, A234T.
Identifiers: ClinVar variation 2987949 (VCV002987949.4), dbSNP rs1032923800, ClinGen allele CA212266231.

ClinVar aggregate classification (germline): Uncertain significance. Review status: criteria provided, multiple submitters, no conflicts (2 of 4 stars). 2 submissions from 2 submitters: Uncertain significance (2). Last evaluated 2024-10-09.

Allele frequency attached by ClinVar (database versions not stated): gnomAD exomes below 0.00001.

Submissions (2):

Women's Health and Genetics/Laboratory Corporation of America, LabCorp
Classification: Uncertain significance. Last evaluated: 2024-10-09. Review status: criteria provided, single submitter. Criteria: LabCorp Variant Classification Summary - May 2015. Collection method: clinical testing. Allele origin: germline.
Comment: Variant summary: TRIM8 c.796G>A (p.Ala266Thr) results in a non-conservative amino acid change in the encoded protein sequence. Two of four in-silico tools predict a benign effect of the variant on protein function. The frequency data for this variant in gnomAD is considered unreliable, as metrics indicate poor data quality at this position. To our knowledge, no occurrence of c.796G>A in individuals affected with Focal Segmental Glomerulosclerosis And Neurodevelopmental Syndrome and no experimental evidence demonstrating its impact on protein function have been reported. ClinVar contains an entry for this variant (Variation ID: 2987949). Based on the evidence outlined above, the variant was classified as uncertain significance.

Labcorp Genetics (formerly Invitae), Labcorp
Classification: Uncertain significance. Last evaluated: 2023-06-04. Review status: criteria provided, single submitter. Criteria: Invitae Variant Classification Sherloc (09022015). Collection method: clinical testing. Allele origin: germline.
Comment: This sequence change replaces alanine, which is neutral and non-polar, with threonine, which is neutral and polar, at codon 266 of the TRIM8 protein (p.Ala266Thr). This variant is not present in population databases (gnomAD no frequency). An algorithm developed to predict the effect of missense changes on protein structure and function (PolyPhen-2) suggests that this variant is likely to be tolerated. In summary, the available evidence is currently insufficient to determine the role of this variant in disease. Therefore, it has been classified as a Variant of Uncertain Significance. This variant has not been reported in the literature in individuals affected with TRIM8-related conditions.